The following is an entry in ClinVar:

NM_001083111.2(GNRH1):c.141G>C (p.Glu47Asp)

Gene: GNRH1 (gonadotropin releasing hormone 1; minus strand). Cytogenetic location: 8p21.2.
Variant type: single nucleotide variant.
Coding change: c.141G>C on transcript NM_001083111.2 (MANE Select); coding-DNA position 141, G replaced by C.
Protein change: p.Glu47Asp; replaces glutamic acid 47 with aspartic acid.
Molecular consequence: missense variant.
Genome position (GRCh38, 1-based): chr8:25,423,190, C>G on the plus strand (G>C on the coding strand, the complement: GNRH1 is on the minus strand). VCF-style: chr8-25423190-C-G. GRCh37 (hg19) VCF-style: chr8-25280706-C-G.
Other names: c.153G>C, p.Glu51Asp (NM_000825.3); short protein forms E47D, E51D.
Identifiers: ClinVar variation 734969 (VCV000734969.45), dbSNP rs35542850, ClinGen allele CA4683660.

ClinVar aggregate classification (germline): Conflicting classifications of pathogenicity. Review status: criteria provided, conflicting classifications (1 of 4 stars). 4 submissions from 4 submitters: Uncertain significance (1); Benign (1); Likely benign (2). Last evaluated 2026-03-01.

Conditions:
Hypogonadotropic hypogonadism 12 with or without anosmia (HH12). Also called: GNRH1-Related GnRH Deficiency; Gonadotropin deficiency familial idiopathic. Identifiers: Orphanet 432, MedGen C1856897, MONDO:0013914, OMIM 614841.

Allele frequency attached by ClinVar (database versions not stated): 1000 Genomes Project 0.00040; 1000 Genomes Project 30x 0.00062; ExAC 0.00140; gnomAD 0.00148 and 0.00159; gnomAD exomes 0.00153; TOPMed 0.00158; ESP Exome Variant Server 0.00160.
gnomAD v4.1: 3,157 of 1,606,844 alleles (0.2%); highest among the groups gnomAD compares: Middle Eastern, 1%; 11 homozygotes.

Submissions (6):

CeGaT Center for Human Genetics Tuebingen
Classification: Likely benign. Last evaluated: 2026-03-01. Review status: criteria provided, single submitter. Criteria: CeGaT Center For Human Genetics Tuebingen Variant Classification Criteria Version 2. Collection method: clinical testing. Allele origin: germline. Affected: yes. Observed: 4 variant alleles.
Comment: GNRH1: BP4, BS2

Labcorp Genetics (formerly Invitae), Labcorp
Classification: Benign. Last evaluated: 2025-12-06. Review status: criteria provided, single submitter. Criteria: Invitae Variant Classification Sherloc (09022015). Collection method: clinical testing. Allele origin: germline.

Blueprint Genetics
Classification: Likely benign. Last evaluated: 2024-11-21. Review status: criteria provided, single submitter. Criteria: ACMG Guidelines, 2015. Collection method: clinical testing. Allele origin: germline.

Illumina Laboratory Services, Illumina
Classification: Uncertain significance for Hypogonadotropic hypogonadism 12 with or without anosmia. Last evaluated: 2018-01-13. Review status: criteria provided, single submitter. Criteria: ICSL Variant Classification Criteria 13 December 2019. Collection method: clinical testing. Allele origin: germline.

Dr. Peter K. Rogan Lab, Western University
No classification provided (evidence only). Condition: Thyroid cancer, nonmedullary, 1. Review status: no classification provided. Collection method: in vitro. Allele origin: not applicable. Functional consequence: retained intron. Not counted in ClinVar's aggregate classification.

Dr. Peter K. Rogan Lab, Western University
No classification provided (evidence only). Condition: Ovarian serous cystadenocarcinoma. Review status: no classification provided. Collection method: in vitro. Allele origin: not applicable. Functional consequence: retained intron. Not counted in ClinVar's aggregate classification.